The following is an entry in ClinVar:

NM_005271.5(GLUD1):c.212A>C (p.Glu71Ala)

Genes: SHLD2 (shieldin complex subunit 2; plus strand), GLUD1 (glutamate dehydrogenase 1; minus strand). Cytogenetic location: 10q23.2.
Variant type: single nucleotide variant.
Coding change: c.212A>C on transcript NM_005271.5 (MANE Select); coding-DNA position 212, A replaced by C.
Protein change: p.Glu71Ala; replaces glutamic acid 71 with alanine.
Molecular consequence: missense variant. On other transcripts: 5 prime UTR variant (3).
Genome position (GRCh38, 1-based): chr10:87,094,558, T>G on the plus strand (A>C on the coding strand, the complement: GLUD1 is on the minus strand). VCF-style: chr10-87094558-T-G. GRCh37 (hg19) VCF-style: chr10-88854315-T-G.
Other names: c.-517A>C (NM_001318904.2); c.-643A>C (NM_001318905.2); c.-350A>C (NM_001318906.2); short protein forms E71A.
Identifiers: ClinVar variation 3018484 (VCV003018484.3), dbSNP rs1388392497, ClinGen allele CA377456346.

ClinVar aggregate classification (germline): Uncertain significance (1 of 4 stars; one submission).

Conditions:
Hyperinsulinism-hyperammonemia syndrome (HHF6). Identifiers: Orphanet 35878, MedGen C1847555, MONDO:0011717, OMIM 606762.

Allele frequency attached by ClinVar (database versions not stated): TOPMed below 0.00001; gnomAD 0.00001.
gnomAD v4.1: 3 of 1,611,988 alleles (0.00019%); highest among the groups gnomAD compares: Admixed American, 0.005%; no homozygotes.

Submission:

Labcorp Genetics (formerly Invitae), Labcorp
Classification: Uncertain significance for Hyperinsulinism-hyperammonemia syndrome. Last evaluated: 2023-07-29. Review status: criteria provided, single submitter. Criteria: Invitae Variant Classification Sherloc (09022015). Collection method: clinical testing. Allele origin: germline.
Comment: In summary, the available evidence is currently insufficient to determine the role of this variant in disease. Therefore, it has been classified as a Variant of Uncertain Significance. Advanced modeling of protein sequence and biophysical properties (such as structural, functional, and spatial information, amino acid conservation, physicochemical variation, residue mobility, and thermodynamic stability) performed at Invitae indicates that this missense variant is not expected to disrupt GLUD1 protein function. This variant has not been reported in the literature in individuals affected with GLUD1-related conditions. This variant is present in population databases (no rsID available, gnomAD 0.009%). This sequence change replaces glutamic acid, which is acidic and polar, with alanine, which is neutral and non-polar, at codon 71 of the GLUD1 protein (p.Glu71Ala).